The following is an entry in ClinVar:

NM_000051.4(ATM):c.7341G>T (p.Leu2447Phe)

Genes: ATM (ATM serine/threonine kinase; plus strand), C11orf65 (chromosome 11 open reading frame 65; minus strand). Cytogenetic location: 11q22.3.
Variant type: single nucleotide variant.
Coding change: c.7341G>T on transcript NM_000051.4 (MANE Select); coding-DNA position 7341, G replaced by T.
Protein change: p.Leu2447Phe; replaces leucine 2447 with phenylalanine.
Molecular consequence: missense variant. On other transcripts: intron variant (2).
Genome position (GRCh38, 1-based): chr11:108,330,247, G>T. VCF-style: chr11-108330247-G-T. GRCh37 (hg19) VCF-style: chr11-108200974-G-T.
Other names: c.*38+4973C>A (NM_001351110.2); c.7341G>T, p.Leu2447Phe (NM_001351834.2); c.641-21176C>A (NM_001330368.2); short protein forms L2447F.
Identifiers: ClinVar variation 1349693 (VCV001349693.9), dbSNP rs2136453829, ClinGen allele CA382559922.

ClinVar aggregate classification (germline): Uncertain significance. Review status: criteria provided, multiple submitters, no conflicts (2 of 4 stars). 2 submissions from 2 submitters: Uncertain significance (2). Last evaluated 2026-02-03.

Conditions:
Hereditary cancer-predisposing syndrome. Also called: Tumor predisposition; Neoplastic Syndromes, Hereditary; Hereditary Cancer Syndrome; Hereditary neoplastic syndrome. Identifiers: Orphanet 140162, MedGen C0027672, MeSH D009386, MONDO:0015356.
Ataxia-telangiectasia syndrome (AT). Also called: Ataxia-telangiectasia; LOUIS-BAR SYNDROME; Ataxia-telangiectasia, complementation group D; AT, COMPLEMENTATION GROUP C; ATAXIA-TELANGIECTASIA, COMPLEMENTATION GROUP A; ATAXIA-TELANGIECTASIA, FRESNO VARIANT. Identifiers: Orphanet 100, MedGen C0004135, MONDO:0008840, OMIM 208900.

Submissions (2):

Ambry Genetics
Classification: Uncertain significance for Hereditary cancer-predisposing syndrome. Last evaluated: 2026-02-03. Review status: criteria provided, single submitter. Criteria: Ambry Variant Classification Scheme 2023. Collection method: clinical testing. Allele origin: germline.
Comment: The p.L2447F variant (also known as c.7341G>T), located in coding exon 49 of the ATM gene, results from a G to T substitution at nucleotide position 7341. The leucine at codon 2447 is replaced by phenylalanine, an amino acid with highly similar properties. This amino acid position is highly conserved in available vertebrate species. In addition, the in silico prediction for this alteration is inconclusive. Based on the available evidence, the clinical significance of this variant remains unclear.

Labcorp Genetics (formerly Invitae), Labcorp
Classification: Uncertain significance for Ataxia-telangiectasia syndrome. Last evaluated: 2021-04-28. Review status: criteria provided, single submitter. Criteria: Invitae Variant Classification Sherloc (09022015). Collection method: clinical testing. Allele origin: germline.
Comment: In summary, the available evidence is currently insufficient to determine the role of this variant in disease. Therefore, it has been classified as a Variant of Uncertain Significance. Advanced modeling of protein sequence and biophysical properties (such as structural, functional, and spatial information, amino acid conservation, physicochemical variation, residue mobility, and thermodynamic stability) performed at Invitae indicates that this missense variant is not expected to disrupt ATM protein function. This variant has not been reported in the literature in individuals with ATM-related conditions. This variant is not present in population databases (ExAC no frequency). This sequence change replaces leucine with phenylalanine at codon 2447 of the ATM protein (p.Leu2447Phe). The leucine residue is moderately conserved and there is a small physicochemical difference between leucine and phenylalanine.